The following is an entry in ClinVar:

ClinVar aggregate classification (germline): Uncertain significance (1 of 4 stars; one submission).

Allele frequency attached by ClinVar (database versions not stated): TOPMed below 0.00001; gnomAD exomes 0.00001.
gnomAD v4.1: 12 of 1,613,904 alleles (0.00074%); highest among the groups gnomAD compares: Non-Finnish European, 0.00093%; no homozygotes.

Submission:

Labcorp Genetics (formerly Invitae), Labcorp
Classification: Uncertain significance. Last evaluated: 2024-10-17. Review status: criteria provided, single submitter. Criteria: Invitae Variant Classification Sherloc (09022015). Collection method: clinical testing. Allele origin: germline.
Comment: This sequence change replaces aspartic acid, which is acidic and polar, with histidine, which is basic and polar, at codon 974 of the PLEKHG2 protein (p.Asp974His). This variant is present in population databases (no rsID available, gnomAD 0.0009%). This variant has not been reported in the literature in individuals affected with PLEKHG2-related conditions. An algorithm developed to predict the effect of missense changes on protein structure and function (PolyPhen-2) suggests that this variant is likely to be tolerated. In summary, the available evidence is currently insufficient to determine the role of this variant in disease. Therefore, it has been classified as a Variant of Uncertain Significance.

NM_022835.3(PLEKHG2):c.2920G>C (p.Asp974His)

Gene: PLEKHG2 (pleckstrin homology and RhoGEF domain containing G2; plus strand). Cytogenetic location: 19q13.2.
Variant type: single nucleotide variant.
Coding change: c.2920G>C on transcript NM_022835.3 (MANE Select); coding-DNA position 2920, G replaced by C.
Protein change: p.Asp974His; replaces aspartic acid 974 with histidine.
Molecular consequence: missense variant. On other transcripts: intron variant (1).
Genome position (GRCh38, 1-based): chr19:39,424,053, G>C. VCF-style: chr19-39424053-G-C. GRCh37 (hg19) VCF-style: chr19-39914693-G-C.
Other names: c.2743G>C, p.Asp915His (NM_001351693.2); c.1678-1185G>C (NM_001351694.2); short protein forms D974H, D915H.
Identifiers: ClinVar variation 2790227 (VCV002790227.3), dbSNP rs1193237988, ClinGen allele CA405802459.
Genomic context (GRCh38, chr19:39,424,053, plus strand): 5'-CCTTTGCCCAAGCAAGAAGGCCCCCTGCACCTCCAGGTGCCGGCTCTTACAACTTTCTCT[G>C]ATCAAGGCCACCCAGAAATCCAAGTTCCAGCCACCACTCCTTTGCCTGAGCATAGAAGTC-3'
Protein context (NP_073746.2, residues 964-984): LQVPALTTFS[Asp974His]QGHPEIQVPA